The following is an entry in ClinVar:

NM_004453.4(ETFDH):c.731T>C (p.Phe244Ser)

Gene: ETFDH (electron transfer flavoprotein dehydrogenase; plus strand). Cytogenetic location: 4q32.1.
Variant type: single nucleotide variant.
Coding change: c.731T>C on transcript NM_004453.4 (MANE Select); coding-DNA position 731, T replaced by C.
Protein change: p.Phe244Ser; replaces phenylalanine 244 with serine.
Molecular consequence: missense variant.
Genome position (GRCh38, 1-based): chr4:158,695,543, T>C. VCF-style: chr4-158695543-T-C. GRCh37 (hg19) VCF-style: chr4-159616695-T-C.
Other names: c.590T>C, p.Phe197Ser (NM_001281737.2); c.548T>C, p.Phe183Ser (NM_001281738.1); short protein forms F183S, F197S, F244S.
Identifiers: ClinVar variation 902803 (VCV000902803.39), dbSNP rs1448673327, ClinGen allele CA358560742.

ClinVar aggregate classification (germline): Conflicting classifications of pathogenicity. Review status: criteria provided, conflicting classifications (1 of 4 stars). 4 submissions from 4 submitters: Likely pathogenic (1); Uncertain significance (3). Last evaluated 2023-12-11.

Conditions:
Multiple acyl-CoA dehydrogenase deficiency (MADD). Also called: GA II; Glutaric aciduria, type 2; Glutaric acidemia type II; GA 2; Glutaric Acidemia type 2; ETHYLMALONIC-ADIPICACIDURIA. Identifiers: Orphanet 26791, MedGen C0268596, MONDO:0009282, OMIM 231680.

Allele frequency attached by ClinVar (database versions not stated): TOPMed below 0.00001; gnomAD 0.00001; gnomAD exomes 0.00001.
gnomAD v4.1: 6 of 1,613,106 alleles (0.00037%); highest among the groups gnomAD compares: Non-Finnish European, 0.00051%; no homozygotes.

Submissions (4):

Blueprint Genetics
Classification: Uncertain significance. Last evaluated: 2023-12-11. Review status: criteria provided, single submitter. Criteria: ACMG Guidelines, 2015. Collection method: clinical testing. Allele origin: germline.

Labcorp Genetics (formerly Invitae), Labcorp
Classification: Uncertain significance for Multiple acyl-CoA dehydrogenase deficiency. Last evaluated: 2022-08-15. Review status: criteria provided, single submitter. Criteria: Invitae Variant Classification Sherloc (09022015). Collection method: clinical testing. Allele origin: germline.
Comment: This sequence change replaces phenylalanine, which is neutral and non-polar, with serine, which is neutral and polar, at codon 244 of the ETFDH protein (p.Phe244Ser). This variant is present in population databases (no rsID available, gnomAD 0.002%). This missense change has been observed in individual(s) with clinical features of glutaric aciduria type 2 (PMID: 17977044). ClinVar contains an entry for this variant (Variation ID: 902803). Advanced modeling of protein sequence and biophysical properties (such as structural, functional, and spatial information, amino acid conservation, physicochemical variation, residue mobility, and thermodynamic stability) performed at Invitae indicates that this missense variant is expected to disrupt ETFDH protein function. In summary, the available evidence is currently insufficient to determine the role of this variant in disease. Therefore, it has been classified as a Variant of Uncertain Significance.

CeGaT Center for Human Genetics Tuebingen
Classification: Likely pathogenic. Last evaluated: 2021-06-01. Review status: criteria provided, single submitter. Criteria: CeGaT Center For Human Genetics Tuebingen Variant Classification Criteria Version 2. Collection method: clinical testing. Allele origin: germline. Affected: yes. Observed: 3 variant alleles.

Illumina Laboratory Services, Illumina
Classification: Uncertain significance for Multiple acyl-CoA dehydrogenase deficiency. Last evaluated: 2017-04-27. Review status: criteria provided, single submitter. Criteria: ICSL Variant Classification Criteria 13 December 2019. Collection method: clinical testing. Allele origin: germline.
Comment: This variant was observed as part of a predisposition screen in an ostensibly healthy population. A literature search was performed for the gene, cDNA change, and amino acid change (where applicable). Publications were found based on this search. However, the evidence from the literature, in combination with allele frequency data from public databases where available, was not sufficient to rule this variant in or out of causing disease. Therefore, this variant is classified as a variant of unknown significance.

Literature cited by the submitters: PubMed 17977044 (cited by Labcorp Genetics (formerly Invitae), Labcorp and Illumina Laboratory Services, Illumina).